The following is an entry in ClinVar:

NM_000169.3(GLA):c.375del (p.His125fs)

Genes: GLA (galactosidase alpha; minus strand), RPL36A-HNRNPH2 (RPL36A-HNRNPH2 readthrough; plus strand). Cytogenetic location: Xq22.1.
Variant type: Deletion.
Coding change: c.375del on transcript NM_000169.3 (MANE Select); coding-DNA position 375, one base deleted (C; older notation c.375delC).
Protein change: p.His125fs; shifts the reading frame from histidine 125.
Molecular consequence: frameshift variant. On other transcripts: non-coding transcript variant (3), intron variant (2).
Genome position (GRCh38, 1-based): chrX:101,401,804, G deleted on the plus strand (C on the coding strand, the reverse complement: GLA is on the minus strand). VCF-style (leftmost placement, unchanged base first): chrX-101401803-TG-T. GRCh37 (hg19) VCF-style: chrX-100656791-TG-T.
Other names: c.498del, p.His166fs (NM_001406747.1, NM_001406749.1); c.375del, p.His125fs (NM_001406748.1); c.300+6347del (NM_001199973.2); c.177+9982del (NM_001199974.2); short protein forms H125fs, H166fs.
Identifiers: ClinVar variation 4086951 (VCV004086951.2).

ClinVar aggregate classification (germline): Pathogenic (1 of 4 stars; one submission).

Conditions:
Fabry disease. Also called: ALPHA-GALACTOSIDASE A DEFICIENCY; ANDERSON-FABRY DISEASE; CERAMIDE TRIHEXOSIDASE DEFICIENCY; GLA DEFICIENCY; HEREDITARY DYSTOPIC LIPIDOSIS; Angiokeratoma corporis diffusum. Identifiers: Orphanet 324, MedGen C0002986, MONDO:0010526, OMIM 301500, HP:0001071. Disease mechanism: Fabry disease is due to inactivating mutations in the X-linked GLA gene resulting in deficiency of the enzyme Alpha Galactosidase-A., loss of function.

Submission:

Genomenon, Inc
Classification: Pathogenic for Fabry disease. Last evaluated: 2026-09-08. Review status: criteria provided, single submitter. Criteria: Genomenon Sequence Variant Interpretation Standards - Updated. Collection method: curation. Allele origin: germline. Affected: yes.
Comment: GLA p.His125GlnfsTer5 (c.375del) is a frameshift variant that is predicted to introduce a premature termination codon and result in a truncated or absent protein product. This variant has been observed in at least one proband with clinical features consistent with Fabry disease (PMID:36140787). It is absent or not present at a significant frequency in gnomAD. In conclusion, we classify GLA p.His125GlnfsTer5 (c.375del) as a pathogenic variant.

Literature cited by the submitters: PubMed 36140787.